The following is an entry in ClinVar:

ClinVar aggregate classification (germline): Uncertain significance (1 of 4 stars; one submission).

Conditions:
LRRC45-related disorder. Also called: LRRC45-related condition.

gnomAD v4.1: 18 of 1,612,722 alleles (0.0011%); highest among the groups gnomAD compares: African/African-American, 0.0053%; no homozygotes.

Submission:

PreventionGenetics, part of Exact Sciences
Classification: Uncertain significance for LRRC45-related condition. Last evaluated: 2026-05-15. Review status: criteria provided, single submitter. Criteria: ACMG Guidelines, 2015. Collection method: clinical testing. Allele origin: germline.
Comment: The LRRC45 c.1240C>T variant is predicted to result in the amino acid substitution p.Arg414Cys. To our knowledge, this variant has not been reported in the literature. This variant is reported in 0.010% of alleles in individuals of East Asian descent in gnomAD. At this time, the clinical significance of this variant is uncertain due to the absence of conclusive functional and genetic evidence.

NM_144999.4(LRRC45):c.1240C>T (p.Arg414Cys)

Gene: LRRC45 (leucine rich repeat containing 45; plus strand). Cytogenetic location: 17q25.3.
Variant type: single nucleotide variant.
Coding change: c.1240C>T on transcript NM_144999.4 (MANE Select); coding-DNA position 1240, C replaced by T.
Protein change: p.Arg414Cys; replaces arginine 414 with cysteine.
Molecular consequence: missense variant.
Genome position (GRCh38, 1-based): chr17:82,028,615, C>T. VCF-style: chr17-82028615-C-T. GRCh37 (hg19) VCF-style: chr17-79986491-C-T.
Other names: short protein forms R414C.
Identifiers: ClinVar variation 4984617 (VCV004984617.1).
Genomic context (GRCh38, chr17:82,028,615, plus strand): 5'-GGGGGACGGGGGCCCCCAGGGGATGCTCACGCATACTCTGCCCACCCTGGGCTTCCAGAG[C>T]GCCTGGACATGGAGAAGAGAAGATGCAGACAGAGCCTGGAGGACTCCGAAAGCCTGCGCA-3'
Protein context (NP_659436.1, residues 404-424): LKMRAIQAEE[Arg414Cys]LDMEKRRCRQ